The following is an entry in ClinVar:

ClinVar aggregate classification (germline): Uncertain significance (1 of 4 stars; one submission).

Allele frequency attached by ClinVar (database versions not stated): ExAC 0.00001.

Submission:

Labcorp Genetics (formerly Invitae), Labcorp
Classification: Uncertain significance. Last evaluated: 2022-07-13. Review status: criteria provided, single submitter. Criteria: Invitae Variant Classification Sherloc (09022015). Collection method: clinical testing. Allele origin: germline.
Comment: In summary, the available evidence is currently insufficient to determine the role of this variant in disease. Therefore, it has been classified as a Variant of Uncertain Significance. This sequence change replaces lysine, which is basic and polar, with glutamic acid, which is acidic and polar, at codon 160 of the SERPINF1 protein (p.Lys160Glu). This variant is not present in population databases (gnomAD no frequency). This variant has not been reported in the literature in individuals affected with SERPINF1-related conditions. Algorithms developed to predict the effect of missense changes on protein structure and function are either unavailable or do not agree on the potential impact of this missense change (SIFT: "Not Available"; PolyPhen-2: "Possibly Damaging"; Align-GVGD: "Not Available").

NM_002615.7(SERPINF1):c.478A>G (p.Lys160Glu)

Gene: SERPINF1 (serpin family F member 1; plus strand). Cytogenetic location: 17p13.3.
Variant type: single nucleotide variant.
Coding change: c.478A>G on transcript NM_002615.7 (MANE Select); coding-DNA position 478, A replaced by G.
Protein change: p.Lys160Glu; replaces lysine 160 with glutamic acid.
Molecular consequence: missense variant. On other transcripts: 5 prime UTR variant (2).
Genome position (GRCh38, 1-based): chr17:1,771,910, A>G. VCF-style: chr17-1771910-A-G. GRCh37 (hg19) VCF-style: chr17-1675204-A-G.
Other names: c.478A>G, p.Lys160Glu (NM_001329903.2); c.-84A>G (NM_001329904.2, NM_001329905.2); short protein forms K160E.
Identifiers: ClinVar variation 2016568 (VCV002016568.4), dbSNP rs772283504, ClinGen allele CA8274719.